The following is an entry in ClinVar:

NM_000393.5(COL5A2):c.2086-12del

Gene: COL5A2 (collagen type V alpha 2 chain; minus strand). Cytogenetic location: 2q32.2.
Variant type: Deletion.
Coding change: c.2086-12del on transcript NM_000393.5 (MANE Select); 12 bases into the intron before coding-DNA position 2086, one base deleted (A; older notation c.2086-12delA).
Molecular consequence: intron variant.
Genome position (GRCh38, 1-based): chr2:189,058,905, T deleted on the plus strand (A on the coding strand, the reverse complement: COL5A2 is on the minus strand); the first of 12 consecutive T bases (chr2:189,058,905-189,058,916); deleting any one gives the same sequence. VCF-style (leftmost placement, unchanged base first): chr2-189058904-AT-A. GRCh37 (hg19) VCF-style: chr2-189923630-AT-A.
Other names: c.2086-12delA (NM_000393.3); c.2086-12del (NM_000393.4).
Identifiers: ClinVar variation 213077 (VCV000213077.17), dbSNP rs5837121, ClinGen allele CA323082.

ClinVar aggregate classification (germline): Benign. Review status: criteria provided, multiple submitters, no conflicts (2 of 4 stars). 6 submissions from 6 submitters: Benign (6). Last evaluated 2026-09-21.

Conditions:
Ehlers-Danlos syndrome, classic type, 1 (EDSCL1). Also called: Ehlers-Danlos syndrome, type 1; EHLERS-DANLOS SYNDROME, GRAVIS TYPE; EHLERS-DANLOS SYNDROME, SEVERE CLASSIC TYPE; Ehlers-Danlos Syndrome, Classic Type, COL5A1-Related; EDS I. Identifiers: MedGen C0268335, MONDO:0019567, OMIM 130000.
Ehlers-Danlos syndrome, classic type, 2 (EDSCL2). Also called: Ehlers-Danlos syndrome type 2 (formerly); Ehlers-Danlos syndrome, type 2; Ehlers-Danlos Syndrome, Classic Type, COL5A2-Related. Identifiers: Orphanet 287, Orphanet 90318, MedGen C0268336, MONDO:0019568, OMIM 130010.

Submissions (6):

Molecular Diagnostic Laboratory for Inherited Cardiovascular Disease, Montreal Heart Institute
Classification: Benign. Last evaluated: 2026-09-21. Review status: criteria provided, single submitter. Criteria: ACMG Guidelines, 2015. Collection method: clinical testing. Allele origin: germline. Affected: no.
Comment: BA1

Labcorp Genetics (formerly Invitae), Labcorp
Classification: Benign for Ehlers-Danlos syndrome, classic type, 1. Last evaluated: 2026-02-04. Review status: criteria provided, single submitter. Criteria: Invitae Variant Classification Sherloc (09022015). Collection method: clinical testing. Allele origin: germline.

Blueprint Genetics
Classification: Benign. Last evaluated: 2024-11-26. Review status: criteria provided, single submitter. Criteria: ACMG Guidelines, 2015. Collection method: clinical testing. Allele origin: germline.

Genome-Nilou Lab
Classification: Benign for Ehlers-Danlos syndrome, classic type, 2. Last evaluated: 2021-07-30. Review status: criteria provided, single submitter. Criteria: ACMG Guidelines, 2015. Collection method: clinical testing. Allele origin: germline. Affected: no.

Laboratory for Molecular Medicine, Mass General Brigham Personalized Medicine
Classification: Benign. Last evaluated: 2016-03-28. Review status: criteria provided, single submitter. Criteria: LMM Criteria. Collection method: clinical testing. Allele origin: germline.
Comment: Variant identified in a genome or exome case(s) and assessed due to predicted null impact of the variant or pathogenic assertions in the literature or databases. Disclaimer: This variant has not undergone full assessment. The following are preliminary notes: Frequency

GeneDx
Classification: Benign. Last evaluated: 2015-03-03. Review status: criteria provided, single submitter. Criteria: GeneDx Variant Classification (06012015). Collection method: clinical testing. Allele origin: germline. Affected: yes.
Comment: This variant was found in TAADV2-WO-FBN1-PANCARD,TAADV2-PANCARD,TAAD,TAADV2-1